The following is an entry in ClinVar:

ClinVar aggregate classification (germline): Conflicting classifications of pathogenicity. Review status: criteria provided, conflicting classifications (1 of 4 stars). 2 submissions from 2 submitters: Uncertain significance (1); Likely benign (1). Last evaluated 2022-10-25.

Conditions:
Inborn genetic diseases. Identifiers: MedGen C0950123, MeSH D030342.

Allele frequency attached by ClinVar (database versions not stated): TOPMed below 0.00001; gnomAD 0.00001; gnomAD exomes 0.00001.
gnomAD v4.1: 10 of 1,613,456 alleles (0.00062%); highest among the groups gnomAD compares: East Asian, 0.0045%; no homozygotes.

Submissions (2):

Ambry Genetics
Classification: Likely benign for Inborn genetic diseases. Last evaluated: 2022-10-25. Review status: criteria provided, single submitter. Criteria: Ambry Variant Classification Scheme 2023. Collection method: clinical testing. Allele origin: germline.

Labcorp Genetics (formerly Invitae), Labcorp
Classification: Uncertain significance. Last evaluated: 2021-08-24. Review status: criteria provided, single submitter. Criteria: Invitae Variant Classification Sherloc (09022015). Collection method: clinical testing. Allele origin: germline.
Comment: This sequence change replaces valine with isoleucine at codon 336 of the TTC37 protein (p.Val336Ile). The valine residue is weakly conserved and there is a small physicochemical difference between valine and isoleucine. This variant is not present in population databases (ExAC no frequency). This variant has not been reported in the literature in individuals affected with TTC37-related conditions. Algorithms developed to predict the effect of missense changes on protein structure and function output the following: SIFT: "Tolerated"; PolyPhen-2: "Benign"; Align-GVGD: "Class C0". The isoleucine amino acid residue is found in multiple mammalian species, which suggests that this missense change does not adversely affect protein function. In summary, the available evidence is currently insufficient to determine the role of this variant in disease. Therefore, it has been classified as a Variant of Uncertain Significance.

NM_014639.4(SKIC3):c.1006G>A (p.Val336Ile)

Gene: SKIC3 (SKI3 subunit of superkiller complex; minus strand). Cytogenetic location: 5q15.
Variant type: single nucleotide variant.
Coding change: c.1006G>A on transcript NM_014639.4 (MANE Select); coding-DNA position 1006, G replaced by A.
Protein change: p.Val336Ile; replaces valine 336 with isoleucine.
Molecular consequence: missense variant.
Genome position (GRCh38, 1-based): chr5:95,528,141, C>T on the plus strand (G>A on the coding strand, the complement: SKIC3 is on the minus strand). VCF-style: chr5-95528141-C-T. GRCh37 (hg19) VCF-style: chr5-94863845-C-T.
Other names: c.1006G>A (NM_014639.3); short protein forms V336I.
Identifiers: ClinVar variation 1447243 (VCV001447243.6), dbSNP rs1197018531, ClinGen allele CA360465867.